The following is an entry in ClinVar:

NM_017514.5(PLXNA3):c.651C>G (p.Ser217=)

Gene: PLXNA3 (plexin A3; plus strand). Cytogenetic location: Xq28.
Variant type: single nucleotide variant.
Coding change: c.651C>G on transcript NM_017514.5 (MANE Select); coding-DNA position 651, C replaced by G.
Protein change: p.Ser217=; no amino-acid change (serine 217 retained).
Molecular consequence: synonymous variant.
Genome position (GRCh38, 1-based): chrX:154,461,155, C>G. VCF-style: chrX-154461155-C-G. GRCh37 (hg19) VCF-style: chrX-153689495-C-G.
Identifiers: ClinVar variation 3355619 (VCV003355619.1).
Genomic context (GRCh38, chrX:154,461,155, plus strand): 5'-CCAGGTGTACCAGGATGAGTTTGTGTCCTCCCAGATCAAGATCCCCTCAGACACGCTGTC[C>G]TTGTACCCTGCCTTTGACATCTACTACATCTACGGCTTCGTCAGCGCCTCCTTCGTGTAC-3'
Protein context (NP_059984.3, residues 207-227): SQIKIPSDTL[Ser217=]LYPAFDIYYI

ClinVar aggregate classification (germline): Likely benign (0 of 4 stars; one submission).

Conditions:
PLXNA3-related disorder. Also called: PLXNA3-related condition.

gnomAD v4.1: 3 of 1,210,900 alleles (0.00025%); highest among the groups gnomAD compares: Non-Finnish European, 0.00022%; no homozygotes.

Submission:

PreventionGenetics, part of Exact Sciences
Classification: Likely benign for PLXNA3-related condition. Last evaluated: 2024-01-05. Review status: no assertion criteria provided. Collection method: clinical testing. Allele origin: germline.
Comment: This variant is classified as likely benign based on ACMG/AMP sequence variant interpretation guidelines (Richards et al. 2015 PMID: 25741868, with internal and published modifications).